The following is an entry in ClinVar:

ClinVar aggregate classification (germline): Uncertain significance. Review status: criteria provided, single submitter (1 of 4 stars). 2 submissions from 2 submitters: Uncertain significance (1). 1 of the submissions does not count toward it. Last evaluated 2025-05-05.

Conditions:
ARHGEF28-related disorder. Also called: ARHGEF28-related condition.

Allele frequency attached by ClinVar (database versions not stated): ExAC 0.00011; 1000 Genomes Project 30x 0.00016; 1000 Genomes Project 0.00020.
gnomAD v4.1: 86 of 1,613,946 alleles (0.0053%); highest among the groups gnomAD compares: South Asian, 0.089%; no homozygotes.

Submissions (2):

Ambry Genetics
Classification: Uncertain significance. Last evaluated: 2025-05-05. Review status: criteria provided, single submitter. Criteria: Ambry Variant Classification Scheme 2023. Collection method: clinical testing. Allele origin: germline.

PreventionGenetics, part of Exact Sciences
Classification: Uncertain significance for ARHGEF28-related condition. Last evaluated: 2024-02-15. Review status: no assertion criteria provided. Collection method: clinical testing. Allele origin: germline. Not counted in ClinVar's aggregate classification.
Comment: The ARHGEF28 c.3743G>T variant is predicted to result in the amino acid substitution p.Gly1248Val. To our knowledge, this variant has not been reported in the literature. This variant is reported in 0.085% of alleles in individuals of South Asian descent in gnomAD. Although we suspect that this variant may be benign, at this time, the clinical significance of this variant is uncertain due to the absence of conclusive functional and genetic evidence.

NM_001177693.2(ARHGEF28):c.3743G>T (p.Gly1248Val)

Gene: ARHGEF28 (Rho guanine nucleotide exchange factor 28; plus strand). Cytogenetic location: 5q13.2.
Variant type: single nucleotide variant.
Coding change: c.3743G>T on transcript NM_001177693.2 (MANE Select); coding-DNA position 3743, G replaced by T.
Protein change: p.Gly1248Val; replaces glycine 1248 with valine.
Molecular consequence: missense variant.
Genome position (GRCh38, 1-based): chr5:73,894,477, G>T. VCF-style: chr5-73894477-G-T. GRCh37 (hg19) VCF-style: chr5-73190302-G-T.
Other names: c.3743G>T, p.Gly1248Val (NM_001080479.3, NM_001388078.1); c.2804G>T, p.Gly935Val (NM_001244364.2); c.3449G>T, p.Gly1150Val (NM_001388076.1); short protein forms G1150V, G1248V, G935V.
Identifiers: ClinVar variation 3032473 (VCV003032473.3), dbSNP rs528800193, ClinGen allele CA3305161.